The following is an entry in ClinVar:

NM_005219.5(DIAPH1):c.242C>A (p.Ala81Glu)

Gene: DIAPH1 (diaphanous related formin 1; minus strand). Cytogenetic location: 5q31.3.
Variant type: single nucleotide variant.
Coding change: c.242C>A on transcript NM_005219.5 (MANE Select); coding-DNA position 242, C replaced by A.
Protein change: p.Ala81Glu; replaces alanine 81 with glutamic acid.
Molecular consequence: missense variant.
Genome position (GRCh38, 1-based): chr5:141,587,100, G>T on the plus strand (C>A on the coding strand, the complement: DIAPH1 is on the minus strand). VCF-style: chr5-141587100-G-T. GRCh37 (hg19) VCF-style: chr5-140966667-G-T.
Other names: c.215C>A, p.Ala72Glu (NM_001079812.3); c.242C>A, p.Ala81Glu (NM_001314007.2); short protein forms A81E, A72E.
Identifiers: ClinVar variation 1950964 (VCV001950964.5), dbSNP rs2513781008, ClinGen allele CA361546448.

ClinVar aggregate classification (germline): Uncertain significance (1 of 4 stars; one submission).

Conditions:
Autosomal dominant nonsyndromic hearing loss 1. Also called: DEAFNESS, AUTOSOMAL DOMINANT 1, WITH OR WITHOUT THROMBOCYTOPENIA; KONIGSMARK SYNDROME. Identifiers: Orphanet 90635, MedGen C1852282, MONDO:0007424, OMIM 124900.
Progressive microcephaly-seizures-cortical blindness-developmental delay syndrome. Also called: Seizures, cortical blindness, and microcephaly syndrome. Identifiers: Orphanet 477814, MedGen C5567650, MONDO:0014714, OMIM 616632.

Allele frequency attached by ClinVar (database versions not stated): gnomAD exomes 0.00001.
gnomAD v4.1: 7 of 1,614,150 alleles (0.00043%); highest among the groups gnomAD compares: Non-Finnish European, 0.00051%; no homozygotes.

Submission:

Labcorp Genetics (formerly Invitae), Labcorp
Classification: Uncertain significance for Progressive microcephaly-seizures-cortical blindness-developmental delay syndrome; Autosomal dominant nonsyndromic hearing loss 1. Last evaluated: 2025-02-23. Review status: criteria provided, single submitter. Criteria: Invitae Variant Classification Sherloc (09022015). Collection method: clinical testing. Allele origin: germline.
Comment: This sequence change replaces alanine, which is neutral and non-polar, with glutamic acid, which is acidic and polar, at codon 81 of the DIAPH1 protein (p.Ala81Glu). This variant is not present in population databases (gnomAD no frequency). This variant has not been reported in the literature in individuals affected with DIAPH1-related conditions. ClinVar contains an entry for this variant (Variation ID: 1950964). Experimental studies and prediction algorithms are not available or were not evaluated, and the functional significance of this variant is currently unknown. In summary, the available evidence is currently insufficient to determine the role of this variant in disease. Therefore, it has been classified as a Variant of Uncertain Significance.